The following is an entry in ClinVar:

ClinVar aggregate classification (germline): Likely benign. Review status: criteria provided, multiple submitters, no conflicts (2 of 4 stars). 3 submissions from 3 submitters: Likely benign (2). 1 of the submissions does not count toward it. Last evaluated 2026-01-27.

Conditions:
CYP27B1-related disorder. Also called: CYP27B1-related condition.

Allele frequency attached by ClinVar (database versions not stated): gnomAD exomes 0.00009 and 0.00019; 1000 Genomes Project 30x 0.00047; ExAC 0.00054; 1000 Genomes Project 0.00060; ESP Exome Variant Server 0.00080; gnomAD 0.00108 and 0.00123; TOPMed 0.00121.

Submissions (3):

Labcorp Genetics (formerly Invitae), Labcorp
Classification: Likely benign. Last evaluated: 2026-01-27. Review status: criteria provided, single submitter. Criteria: Invitae Variant Classification Sherloc (09022015). Collection method: clinical testing. Allele origin: germline.

Breakthrough Genomics
Classification: Likely benign. Review status: criteria provided, single submitter. Criteria: ACMG Guidelines, 2015. Collection method: not provided. Allele origin: germline. Inheritance: Autosomal recessive inheritance. Affected: yes.

PreventionGenetics, part of Exact Sciences
Classification: Likely benign for CYP27B1-related condition. Last evaluated: 2022-05-06. Review status: no assertion criteria provided. Collection method: clinical testing. Allele origin: germline. Not counted in ClinVar's aggregate classification.
Comment: This variant is classified as likely benign based on ACMG/AMP sequence variant interpretation guidelines (Richards et al. 2015 PMID: 25741868, with internal and published modifications).

NM_000785.4(CYP27B1):c.385G>A (p.Ala129Thr)

Gene: CYP27B1 (cytochrome P450 family 27 subfamily B member 1; minus strand). Cytogenetic location: 12q14.1.
Variant type: single nucleotide variant.
Coding change: c.385G>A on transcript NM_000785.4 (MANE Select); coding-DNA position 385, G replaced by A.
Protein change: p.Ala129Thr; replaces alanine 129 with threonine.
Molecular consequence: missense variant.
Genome position (GRCh38, 1-based): chr12:57,766,008, C>T on the plus strand (G>A on the coding strand, the complement: CYP27B1 is on the minus strand). VCF-style: chr12-57766008-C-T. GRCh37 (hg19) VCF-style: chr12-58159791-C-T.
Other names: short protein forms A129T.
Identifiers: ClinVar variation 722611 (VCV000722611.13), dbSNP rs58915677, ClinGen allele CA6658482.